The following is an entry in ClinVar:

ClinVar aggregate classification (germline): Uncertain significance (1 of 4 stars; one submission).

Conditions:
Early-infantile DEE. Also called: Ohtahara syndrome; Early infantile epileptic encephalopathy; Early infantile epileptic encephalopathy with suppression bursts. Identifiers: Orphanet 1934, MedGen C0393706, MONDO:0800491.

Submission:

Labcorp Genetics (formerly Invitae), Labcorp
Classification: Uncertain significance for Early-infantile DEE. Last evaluated: 2018-06-20. Review status: criteria provided, single submitter. Criteria: Invitae Variant Classification Sherloc (09022015). Collection method: clinical testing. Allele origin: germline.
Comment: In summary, the available evidence is currently insufficient to determine the role of this variant in disease. Therefore, it has been classified as a Variant of Uncertain Significance. Algorithms developed to predict the effect of missense changes on protein structure and function are either unavailable or do not agree on the potential impact of this missense change (SIFT: "Deleterious"; PolyPhen-2: "Probably Damaging"; Align-GVGD: "Class C0"). This variant has not been reported in the literature in individuals with ST3GAL3-related disease. This variant is not present in population databases (ExAC no frequency). This sequence change replaces tyrosine with histidine at codon 209 of the ST3GAL3 protein (p.Tyr209His). The tyrosine residue is highly conserved and there is a moderate physicochemical difference between tyrosine and histidine.

NM_006279.5(ST3GAL3):c.625T>C (p.Tyr209His)

Gene: ST3GAL3 (ST3 beta-galactoside alpha-2,3-sialyltransferase 3; plus strand). Cytogenetic location: 1p34.1.
Variant type: single nucleotide variant.
Coding change: c.625T>C on transcript NM_006279.5 (MANE Select); coding-DNA position 625, T replaced by C.
Protein change: p.Tyr209His; replaces tyrosine 209 with histidine.
Molecular consequence: missense variant. On other transcripts: non-coding transcript variant (5), intron variant (7).
Genome position (GRCh38, 1-based): chr1:43,899,608, T>C. VCF-style: chr1-43899608-T-C. GRCh37 (hg19) VCF-style: chr1-44365280-T-C.
Other names: c.625T>C, p.Tyr209His (NM_001270459.2, NM_001350620.2, NM_174966.4); c.532T>C, p.Tyr178His (NM_001270460.2); c.577T>C, p.Tyr193His (NM_001270461.3, NM_174969.4); c.484T>C, p.Tyr162His (NM_001270462.3); c.670T>C, p.Tyr224His (NM_001350619.2, NM_174964.4); c.346T>C, p.Tyr116His (NM_001350621.2); c.787T>C, p.Tyr263His (NM_001363573.2, NM_174968.5); c.832T>C, p.Tyr278His (NM_174963.5); and 8 more; short protein forms Y278H, Y209H, Y116H, Y178H, Y193H, Y162H, Y247H, Y263H.
Identifiers: ClinVar variation 566974 (VCV000566974.9), dbSNP rs1558787813, ClinGen allele CA340270276.
Genomic context (GRCh38, chr1:43,899,608, plus strand): 5'-TCAGCACCAGTGAAAGGCTTTGAGAAGGACGTGGGCAGCAAAACGACACTGCGCATCACC[T>C]ACCCCGAGGGCGCCATGCAGCGGCCTGAGCAGTACGAGCGCGATTCTCTCTTTGTCCTCG-3'
Protein context (NP_006270.1, residues 199-219): VGSKTTLRIT[Tyr209His]PEGAMQRPEQ